The following is an entry in ClinVar:

ClinVar aggregate classification (germline): Likely benign. Review status: criteria provided, multiple submitters, no conflicts (2 of 4 stars). 4 submissions from 4 submitters: Likely benign (3). 1 of the submissions does not count toward it. Last evaluated 2026-01-26.

Conditions:
Osteodysplastic primordial dwarfism, type 1 (MOPD1). Also called: MICROCEPHALIC OSTEODYSPLASTIC PRIMORDIAL DWARFISM, TYPE III; MOPD III; OSTEODYSPLASTIC PRIMORDIAL DWARFISM, TYPE III; MICROCEPHALIC OSTEODYSPLASTIC PRIMORDIAL DWARFISM TYPE I/III; MOPD I/III; MICROCEPHALIC OSTEODYSPLASTIC PRIMORDIAL DWARFISM, CAROLINE CRACHAMI TYPE. Identifiers: Orphanet 2636, MedGen C1859452, MONDO:0008871, OMIM 210710.
Lowry-Wood syndrome (LWS). Identifiers: Orphanet 1824, MedGen C0796021, MONDO:0009191, OMIM 226960.
Roifman syndrome (RFMN). Also called: SPONDYLOEPIPHYSEAL DYSPLASIA, RETINAL DYSTROPHY, AND ANTIBODY DEFICIENCY. Identifiers: Orphanet 353298, MedGen C1846059, MONDO:0014722, OMIM 616651.
CLASP1-related disorder. Also called: CLASP1-related condition.

Submissions (4):

Labcorp Genetics (formerly Invitae), Labcorp
Classification: Likely benign. Last evaluated: 2026-01-26. Review status: criteria provided, single submitter. Criteria: Invitae Variant Classification Sherloc (09022015). Collection method: clinical testing. Allele origin: germline.

Blueprint Genetics
Classification: Likely benign. Last evaluated: 2024-03-02. Review status: criteria provided, single submitter. Criteria: ACMG Guidelines, 2015. Collection method: clinical testing. Allele origin: germline.

Fulgent Genetics
Classification: Likely benign for Osteodysplastic primordial dwarfism, type 1; Lowry-Wood syndrome; Roifman syndrome. Last evaluated: 2021-11-04. Review status: criteria provided, single submitter. Criteria: ACMG Guidelines, 2015. Collection method: clinical testing. Allele origin: unknown.

PreventionGenetics, part of Exact Sciences
Classification: Likely benign for CLASP1-related condition. Last evaluated: 2019-10-28. Review status: no assertion criteria provided. Collection method: clinical testing. Allele origin: germline. Not counted in ClinVar's aggregate classification.
Comment: This variant is classified as likely benign based on ACMG/AMP sequence variant interpretation guidelines (Richards et al. 2015 PMID: 25741868, with internal and published modifications).

NM_001395891.1(CLASP1):c.196-679dup

Genes: CLASP1 (cytoplasmic linker associated protein 1; minus strand), CLASP1-AS1 (CLASP1 antisense RNA 1; plus strand), RNU4ATAC (RNA, U4atac small nuclear; plus strand). Cytogenetic location: 2q14.2.
Variant type: Duplication.
Coding change: c.196-679dup on transcript NM_001395891.1 (MANE Select); 679 bases into the intron before coding-DNA position 196, one base duplicated (T; older notation c.196-679dupT).
Molecular consequence: intron variant.
Genome position (GRCh38, 1-based): chr2:121,531,004, A duplicated on the plus strand (T on the coding strand, the reverse complement: CLASP1 is on the minus strand); the first of 5 consecutive A bases (chr2:121,531,004-121,531,008); duplicating any one gives the same sequence. VCF-style (leftmost placement, unchanged base first): chr2-121531003-G-GA. GRCh37 (hg19) VCF-style: chr2-122288579-G-GA.
Other names: c.196-679dup (NM_001378004.1, NM_001142273.2, NM_001207051.2 and 4 more transcripts).
Identifiers: ClinVar variation 1143919 (VCV001143919.14), dbSNP rs542752836, ClinGen allele CA54811044.